The following is an entry in ClinVar:

ClinVar aggregate classification (germline): Uncertain significance. Review status: criteria provided, multiple submitters, no conflicts (2 of 4 stars). 2 submissions from 2 submitters: Uncertain significance (2). Last evaluated 2021-08-10.

Conditions:
Inborn genetic diseases. Identifiers: MedGen C0950123, MeSH D030342.

Allele frequency attached by ClinVar (database versions not stated): gnomAD exomes below 0.00001.
gnomAD v4.1: 3 of 1,599,674 alleles (0.00019%); highest among the groups gnomAD compares: Admixed American, 0.0018%; no homozygotes.

Submissions (2):

Ambry Genetics
Classification: Uncertain significance for Inborn genetic diseases. Last evaluated: 2021-08-10. Review status: criteria provided, single submitter. Criteria: Ambry Variant Classification Scheme 2023. Collection method: clinical testing. Allele origin: germline.

Labcorp Genetics (formerly Invitae), Labcorp
Classification: Uncertain significance. Last evaluated: 2021-06-09. Review status: criteria provided, single submitter. Criteria: Invitae Variant Classification Sherloc (09022015). Collection method: clinical testing. Allele origin: germline.
Comment: This sequence change replaces isoleucine with valine at codon 107 of the PLAA protein (p.Ile107Val). The isoleucine residue is moderately conserved and there is a small physicochemical difference between isoleucine and valine. This variant is not present in population databases (ExAC no frequency). In summary, the available evidence is currently insufficient to determine the role of this variant in disease. Therefore, it has been classified as a Variant of Uncertain Significance. Algorithms developed to predict the effect of missense changes on protein structure and function output the following: SIFT: "Tolerated"; PolyPhen-2: "Benign"; Align-GVGD: "Class C0". The valine amino acid residue is found in multiple mammalian species, suggesting that this missense change does not adversely affect protein function. These predictions have not been confirmed by published functional studies and their clinical significance is uncertain. This variant has not been reported in the literature in individuals with PLAA-related conditions.

NM_001031689.3(PLAA):c.319A>G (p.Ile107Val)

Gene: PLAA (phospholipase A2 activating protein; minus strand). Cytogenetic location: 9p21.2.
Variant type: single nucleotide variant.
Coding change: c.319A>G on transcript NM_001031689.3 (MANE Select); coding-DNA position 319, A replaced by G.
Protein change: p.Ile107Val; replaces isoleucine 107 with valine.
Molecular consequence: missense variant.
Genome position (GRCh38, 1-based): chr9:26,935,037, T>C on the plus strand (A>G on the coding strand, the complement: PLAA is on the minus strand). VCF-style: chr9-26935037-T-C. GRCh37 (hg19) VCF-style: chr9-26935035-T-C.
Other names: c.319A>G, p.Ile107Val (NM_001321546.2); c.319A>G (NM_001031689.2); short protein forms I107V.
Identifiers: ClinVar variation 1349552 (VCV001349552.7), dbSNP rs1208368929, ClinGen allele CA373111617.